The following is an entry in ClinVar:

NM_000548.5(TSC2):c.5193_5216dup (p.Ser1738_Lys1739insAsnProThrAspIleTyrProSer)

Gene: TSC2 (TSC complex subunit 2; plus strand). Cytogenetic location: 16p13.3.
Variant type: Duplication.
Coding change: c.5193_5216dup on transcript NM_000548.5 (MANE Select); coding-DNA positions 5193 to 5216, 24 bases duplicated (CCCCACCGATATCTACCCCTCCAA).
Protein change: p.Ser1738_Lys1739insAsnProThrAspIleTyrProSer.
Molecular consequence: inframe insertion. On other transcripts: non-coding transcript variant (5).
Genome position (GRCh38, 1-based): chr16:2,088,259-2,088,282, CCCCACCGATATCTACCCCTCCAA duplicated; duplicating any 24 consecutive bases within chr16:2,088,253-2,088,282 gives the same sequence; the c. name uses the placement nearest the transcript's 3' end. VCF-style (leftmost placement, unchanged base first): chr16-2088252-G-GCTCCAACCCCACCGATATCTACCC. GRCh37 (hg19) VCF-style: chr16-2138253-G-GCTCCAACCCCACCGATATCTACCC.
Other names: c.5124_5147dup, p.Ser1715_Lys1716insAsnProThrAspIleTyrProSer (NM_001114382.3); c.4884_4907dup, p.Ser1635_Lys1636insAsnProThrAspIleTyrProSer (NM_001318827.2); c.4848_4871dup, p.Ser1623_Lys1624insAsnProThrAspIleTyrProSer (NM_001318829.2); c.4461_4484dup, p.Ser1494_Lys1495insAsnProThrAspIleTyrProSer (NM_001318831.2); c.5025_5048dup, p.Ser1682_Lys1683insAsnProThrAspIleTyrProSer (NM_001318832.2); c.4995_5018dup, p.Ser1672_Lys1673insAsnProThrAspIleTyrProSer (NM_001363528.2); c.5061_5084dup, p.Ser1694_Lys1695insAsnProThrAspIleTyrProSer (NM_001370404.1); c.5052_5075dup, p.Ser1691_Lys1692insAsnProThrAspIleTyrProSer (NM_001370405.1); and 28 more.
Identifiers: ClinVar variation 4076943 (VCV004076943.2).

ClinVar aggregate classification (germline): Uncertain significance. Review status: criteria provided, multiple submitters, no conflicts (2 of 4 stars). 2 submissions from 2 submitters: Uncertain significance (2). Last evaluated 2025-11-05.

Conditions:
Hereditary cancer-predisposing syndrome. Also called: Tumor predisposition; Neoplastic Syndromes, Hereditary; Hereditary neoplastic syndrome; Hereditary Cancer Syndrome. Identifiers: Orphanet 140162, MedGen C0027672, MeSH D009386, MONDO:0015356.

Submissions (2):

Ambry Genetics
Classification: Uncertain significance for Hereditary cancer-predisposing syndrome. Last evaluated: 2025-11-05. Review status: criteria provided, single submitter. Criteria: Ambry Variant Classification Scheme 2023. Collection method: clinical testing. Allele origin: germline.
Comment: The c.5193_5216dup24 variant (also known as p.N1731_S1738dup), located in coding exon 40 of the TSC2 gene, results from an in-frame duplication of 24 nucleotides at nucleotide positions 5193 to 5216. This results in the duplication of 8 extra residues (NPTDIYPS) between codons 1731 and 1738. In addition, this variant is predicted to be deleterious by in silico analysis (Choi Y et al. PLoS ONE. 2012; 7(10):e46688). Based on the available evidence, the clinical significance of this variant remains unclear.

GeneDx
Classification: Uncertain significance. Last evaluated: 2025-02-23. Review status: criteria provided, single submitter. Criteria: GeneDx Variant Classification Process June 2021. Collection method: clinical testing. Allele origin: germline. Affected: yes.
Comment: In-frame duplication of 8 amino acid(s) in a non-repeat region; Not observed at significant frequency in large population cohorts (gnomAD); Has not been previously published as pathogenic or benign to our knowledge